The following is an entry in ClinVar:

ClinVar aggregate classification (germline): Conflicting classifications of pathogenicity. Review status: criteria provided, conflicting classifications (1 of 4 stars). 4 submissions from 4 submitters: Uncertain significance (2); Likely benign (2). Last evaluated 2026-01-04.

Conditions:
Familial thoracic aortic aneurysm and aortic dissection (TAAD). Also called: Thoracic aortic aneurysms and dissections. Identifiers: Orphanet 91387, MedGen C4707243, MONDO:0019625.
Congenital contractural arachnodactyly (CCA). Also called: BEALS SYNDROME; Beals-Hecht syndrome; Arthrogryposis, distal, type 9. Identifiers: Orphanet 115, MedGen C0220668, MONDO:0007363, OMIM 121050.

Allele frequency attached by ClinVar (database versions not stated): gnomAD 0.00011 and 0.00012; TOPMed 0.00011; gnomAD exomes 0.00014 and 0.00021; 1000 Genomes Project 30x 0.00016; ExAC 0.00017; 1000 Genomes Project 0.00020; ESP Exome Variant Server 0.00038.
gnomAD v4.1: 318 of 1,614,070 alleles (0.02%); highest among the groups gnomAD compares: Non-Finnish European, 0.023%; no homozygotes.

Submissions (4):

Labcorp Genetics (formerly Invitae), Labcorp
Classification: Likely benign for Congenital contractural arachnodactyly. Last evaluated: 2026-01-04. Review status: criteria provided, single submitter. Criteria: Invitae Variant Classification Sherloc (09022015). Collection method: clinical testing. Allele origin: germline.

GeneDx
Classification: Uncertain significance. Last evaluated: 2026-01-01. Review status: criteria provided, single submitter. Criteria: GeneDx Variant Classification Process June 2021. Collection method: clinical testing. Allele origin: germline. Affected: yes.
Comment: In silico analysis suggests that this missense variant does not alter protein structure/function; Has not been previously published as pathogenic or benign to our knowledge

Blueprint Genetics
Classification: Likely benign. Last evaluated: 2024-11-21. Review status: criteria provided, single submitter. Criteria: ACMG Guidelines, 2015. Collection method: clinical testing. Allele origin: germline.

Ambry Genetics
Classification: Uncertain significance for Familial thoracic aortic aneurysm and aortic dissection. Last evaluated: 2024-05-09. Review status: criteria provided, single submitter. Criteria: Ambry Variant Classification Scheme 2023. Collection method: clinical testing. Allele origin: germline.
Comment: The p.K2112E variant (also known as c.6334A>G), located in coding exon 50 of the FBN2 gene, results from an A to G substitution at nucleotide position 6334. The lysine at codon 2112 is replaced by glutamic acid, an amino acid with similar properties. This amino acid position is well conserved in available vertebrate species. In addition, this alteration is predicted to be deleterious by in silico analysis. Since supporting evidence is limited at this time, the clinical significance of this alteration remains unclear.

NM_001999.4(FBN2):c.6334A>G (p.Lys2112Glu)

Gene: FBN2 (fibrillin 2; minus strand). Cytogenetic location: 5q23.3.
Variant type: single nucleotide variant.
Coding change: c.6334A>G on transcript NM_001999.4 (MANE Select); coding-DNA position 6334, A replaced by G.
Protein change: p.Lys2112Glu; replaces lysine 2112 with glutamic acid.
Molecular consequence: missense variant.
Genome position (GRCh38, 1-based): chr5:128,290,843, T>C on the plus strand (A>G on the coding strand, the complement: FBN2 is on the minus strand). VCF-style: chr5-128290843-T-C. GRCh37 (hg19) VCF-style: chr5-127626535-T-C.
Other names: short protein forms K2112E.
Identifiers: ClinVar variation 213419 (VCV000213419.22), dbSNP rs141707850, ClinGen allele CA323445.